The following is an entry in ClinVar:

ClinVar aggregate classification (germline): Benign/Likely benign. Review status: criteria provided, multiple submitters, no conflicts (2 of 4 stars). 9 submissions from 9 submitters: Benign (6); Likely benign (1). 2 of the submissions do not count toward it. Last evaluated 2026-02-04.

Conditions:
Primary ciliary dyskinesia. Also called: Ciliary dyskinesia. Identifiers: Orphanet 244, MedGen C0008780, MONDO:0016575, HP:0012265.

Allele frequency attached by ClinVar (database versions not stated): gnomAD exomes 0.38791 and 0.41030; gnomAD 0.39493 and 0.39685; ExAC 0.39588; TOPMed 0.39685; ESP Exome Variant Server 0.39861; 1000 Genomes Project 30x 0.41896; 1000 Genomes Project 0.42332.
gnomAD v4.1: 656,350 of 1,604,984 alleles (41%); highest among the groups gnomAD compares: East Asian, 67%; 137,604 homozygotes.

Submissions (9):

Labcorp Genetics (formerly Invitae), Labcorp
Classification: Benign for Primary ciliary dyskinesia. Last evaluated: 2026-02-04. Review status: criteria provided, single submitter. Criteria: Invitae Variant Classification Sherloc (09022015). Collection method: clinical testing. Allele origin: germline.

Blueprint Genetics
Classification: Likely benign. Last evaluated: 2024-11-27. Review status: criteria provided, single submitter. Criteria: ACMG Guidelines, 2015. Collection method: clinical testing. Allele origin: germline.

Mayo Clinic Laboratories, Mayo Clinic
Classification: Benign. Last evaluated: 2022-04-26. Review status: criteria provided, single submitter. Criteria: ACMG Guidelines, 2015. Collection method: clinical testing. Allele origin: germline. Observed: 129 variant alleles.

GeneDx
Classification: Benign. Last evaluated: 2018-11-10. Review status: criteria provided, single submitter. Criteria: GeneDx Variant Classification Process June 2021. Collection method: clinical testing. Allele origin: germline. Affected: yes.

Eurofins Ntd Llc (ga)
Classification: Benign. Last evaluated: 2013-05-09. Review status: criteria provided, single submitter. Criteria: EGL Classification Definitions 2015. Collection method: clinical testing. Allele origin: germline. Observed: 1 variant allele, 1 homozygote.

Laboratory for Molecular Medicine, Mass General Brigham Personalized Medicine
Classification: Benign. Last evaluated: 2013-02-21. Review status: criteria provided, single submitter. Criteria: LMM Criteria. Collection method: clinical testing. Allele origin: germline. Observed: 58 variant alleles.
Comment: Ile1483Ile in exon 25 of DNAH11: This variant is not expected to have clinical s ignificance because it does not alter an amino acid residue and is not located w ithin the splice consensus sequence. It has been identified in 41.2% (3357/8146) of European American chromosomes from a broad population by the NHLBI Exome Seq uencing Project (dbSNP rs56029521).

PreventionGenetics, part of Exact Sciences
Classification: Benign. Review status: criteria provided, single submitter. Criteria: ACMG Guidelines, 2015. Collection method: clinical testing. Allele origin: germline.

Clinical Genetics DNA and cytogenetics Diagnostics Lab, Erasmus MC, Erasmus Medical Center
Classification: Benign. Review status: no assertion criteria provided. Collection method: clinical testing. Allele origin: germline. Affected: yes. Study: VKGL Data-share Consensus. Not counted in ClinVar's aggregate classification.

Diagnostic Laboratory, Department of Genetics, University Medical Center Groningen
Classification: Benign. Review status: no assertion criteria provided. Collection method: clinical testing. Allele origin: germline. Affected: yes. Study: VKGL Data-share Consensus. Not counted in ClinVar's aggregate classification.

NM_001277115.2(DNAH11):c.4449T>C (p.Ile1483=)

Gene: DNAH11 (dynein axonemal heavy chain 11; plus strand). Cytogenetic location: 7p15.3.
Variant type: single nucleotide variant.
Coding change: c.4449T>C on transcript NM_001277115.2 (MANE Select); coding-DNA position 4449, T replaced by C.
Protein change: p.Ile1483=; no amino-acid change (isoleucine 1483 retained).
Molecular consequence: synonymous variant.
Genome position (GRCh38, 1-based): chr7:21,620,027, T>C. VCF-style: chr7-21620027-T-C. GRCh37 (hg19) VCF-style: chr7-21659645-T-C.
Other names: p.Ile1483=.
Identifiers: ClinVar variation 93690 (VCV000093690.33), dbSNP rs56029521, ClinGen allele CA147211.